The following is an entry in ClinVar:

NM_019023.5(PRMT7):c.1851C>T (p.Tyr617=)

Genes: PRMT7 (protein arginine methyltransferase 7; plus strand), LOC130059279 (ATAC-STARR-seq lymphoblastoid active region 11013; plus strand). Cytogenetic location: 16q22.1.
Variant type: single nucleotide variant.
Coding change: c.1851C>T on transcript NM_019023.5 (MANE Select); coding-DNA position 1851, C replaced by T.
Protein change: p.Tyr617=; no amino-acid change (tyrosine 617 retained).
Molecular consequence: synonymous variant. On other transcripts: non-coding transcript variant (12).
Genome position (GRCh38, 1-based): chr16:68,356,740, C>T. VCF-style: chr16-68356740-C-T. GRCh37 (hg19) VCF-style: chr16-68390643-C-T.
Other names: c.1701C>T, p.Tyr567= (NM_001184824.4); c.1851C>T, p.Tyr617= (NM_001290018.2, NM_001351143.3, NM_001378018.1); c.1854C>T, p.Tyr618= (NM_001351144.3); c.1644C>T, p.Tyr548= (NM_001378020.1); c.1614C>T, p.Tyr538= (NM_001378021.1, NM_001378022.1, NM_001378023.1).
Identifiers: ClinVar variation 753969 (VCV000753969.17), dbSNP rs376424660, ClinGen allele CA8127671.

ClinVar aggregate classification (germline): Likely benign. Review status: criteria provided, multiple submitters, no conflicts (2 of 4 stars). 3 submissions from 3 submitters: Likely benign (2). 1 of the submissions does not count toward it. Last evaluated 2025-12-11.

Conditions:
PRMT7-related disorder. Also called: PRMT7-related condition.

Allele frequency attached by ClinVar (database versions not stated): gnomAD exomes 0.00013 and 0.00033; ESP Exome Variant Server 0.00015; gnomAD 0.00017 and 0.00018; TOPMed 0.00019; ExAC 0.00010.
gnomAD v4.1: 509 of 1,611,454 alleles (0.032%); highest among the groups gnomAD compares: Non-Finnish European, 0.041%; no homozygotes.

Submissions (3):

Labcorp Genetics (formerly Invitae), Labcorp
Classification: Likely benign. Last evaluated: 2025-12-11. Review status: criteria provided, single submitter. Criteria: Invitae Variant Classification Sherloc (09022015). Collection method: clinical testing. Allele origin: germline.

CeGaT Center for Human Genetics Tuebingen
Classification: Likely benign. Last evaluated: 2025-04-01. Review status: criteria provided, single submitter. Criteria: CeGaT Center For Human Genetics Tuebingen Variant Classification Criteria Version 2. Collection method: clinical testing. Allele origin: germline. Affected: yes. Observed: 1 variant allele.
Comment: PRMT7: BP4, BP7

PreventionGenetics, part of Exact Sciences
Classification: Likely benign for PRMT7-related condition. Last evaluated: 2019-06-11. Review status: no assertion criteria provided. Collection method: clinical testing. Allele origin: germline. Not counted in ClinVar's aggregate classification.
Comment: This variant is classified as likely benign based on ACMG/AMP sequence variant interpretation guidelines (Richards et al. 2015 PMID: 25741868, with internal and published modifications).